The following is an entry in ClinVar:

ClinVar aggregate classification (germline): Likely benign. Review status: reviewed by expert panel (3 of 4 stars). 3 submissions from 3 submitters: Likely benign (1). 2 of the submissions do not count toward it. Last evaluated 2025-10-28.

Conditions:
Pitt-Hopkins syndrome (PTHS). Also called: ENCEPHALOPATHY, SEVERE EPILEPTIC, WITH AUTONOMIC DYSFUNCTION; MENTAL RETARDATION, SYNDROMAL, WITH INTERMITTENT HYPERVENTILATION. Identifiers: Orphanet 2896, MedGen C1970431, MONDO:0012589, OMIM 610954.
Inborn genetic diseases. Identifiers: MedGen C0950123, MeSH D030342.

Allele frequency attached by ClinVar (database versions not stated): gnomAD exomes 0.00001; ExAC 0.00002.
gnomAD v4.1: 3 of 1,614,084 alleles (0.00019%); highest among the groups gnomAD compares: South Asian, 0.0011%; no homozygotes.

Submissions (3):

ClinGen Rett and Angelman-like Disorders Variant Curation Expert Panel
Classification: Likely benign for Pitt-Hopkins syndrome. Last evaluated: 2025-10-28. Review status: reviewed by expert panel. Criteria: ClinGen RettAS ACMG Specifications TCF4 V5.0.0. Collection method: curation. Allele origin: germline. Inheritance: Autosomal dominant inheritance.
Comment: The highest population minor allele frequency of the p.Pro651Ala variant in TCF4 in gnomAD v4.1.0 is 0.00001098 in South Asian population, which is higher than the ClinGen Rett and Angelman-like Disorders VCEP threshold (≥0.0000083) for BS1, and therefore meets this criterion (BS1). The p.Pro651Ala variant is observed in at least 1 unaffected individual (internal database - Ambry) (BS2_Supporting). The computational predictor REVEL gives a score of 0.212 (which is below the threshold of 0.290), evidence that does not predict a damaging effect on TCF4 function (BP4). In summary, the p.Pro651Ala variant in TCF4 is classified as Likely Benign based on the ACMG/AMP criteria (BS1, BS2_Supporting, BP4). (TCF4 Specifications v5.0; curation approved on 10/28/2025)

Ambry Genetics
Classification: Likely benign for Inborn genetic diseases. Last evaluated: 2024-03-20. Review status: criteria provided, single submitter. Criteria: Ambry Variant Classification Scheme 2023. Collection method: clinical testing. Allele origin: germline. Not counted in ClinVar's aggregate classification.

Labcorp Genetics (formerly Invitae), Labcorp
Classification: Uncertain significance for Pitt-Hopkins syndrome. Last evaluated: 2020-03-17. Review status: criteria provided, single submitter. Criteria: Invitae Variant Classification Sherloc (09022015). Collection method: clinical testing. Allele origin: germline. Not counted in ClinVar's aggregate classification.
Comment: This sequence change replaces proline with alanine at codon 651 of the TCF4 protein (p.Pro651Ala). The proline residue is highly conserved and there is a small physicochemical difference between proline and alanine. In summary, the available evidence is currently insufficient to determine the role of this variant in disease. Therefore, it has been classified as a Variant of Uncertain Significance. Algorithms developed to predict the effect of missense changes on protein structure and function are either unavailable or do not agree on the potential impact of this missense change (SIFT: "Deleterious"; PolyPhen-2: "Possibly Damaging"; Align-GVGD: "Class C0"). This variant has not been reported in the literature in individuals with TCF4-related conditions. This variant is present in population databases (rs549600113, ExAC 0.01%).

NM_001083962.2(TCF4):c.1951C>G (p.Pro651Ala)

Gene: TCF4 (transcription factor 4; minus strand). Cytogenetic location: 18q21.2.
Variant type: single nucleotide variant.
Coding change: c.1951C>G on transcript NM_001083962.2 (MANE Select); coding-DNA position 1951, C replaced by G.
Protein change: p.Pro651Ala; replaces proline 651 with alanine.
Molecular consequence: missense variant.
Genome position (GRCh38, 1-based): chr18:55,228,290, G>C on the plus strand (C>G on the coding strand, the complement: TCF4 is on the minus strand). VCF-style: chr18-55228290-G-C. GRCh37 (hg19) VCF-style: chr18-52895521-G-C.
Other names: NM_001083962.2(TCF4):c.1951C>G; p.Pro651Ala; c.1951C>G (NM_001083962.1); c.2257C>G, p.Pro753Ala (NM_001243226.3); c.1879C>G, p.Pro627Ala (NM_001243227.2, NM_001348217.1, NM_001348218.2 and 1 more transcripts); c.1969C>G, p.Pro657Ala (NM_001243228.2); c.1930C>G, p.Pro644Ala (NM_001243230.2); c.1813C>G, p.Pro605Ala (NM_001243231.2); and 17 more; short protein forms P486A, P521A, P576A, P622A, P623A, P626A, P628A, P651A.
Identifiers: ClinVar variation 1047160 (VCV001047160.9), dbSNP rs549600113, ClinGen allele CA8970119.